The following is an entry in ClinVar:

NM_000232.5(SGCB):c.243+1G>T

Gene: SGCB (sarcoglycan beta; minus strand). Cytogenetic location: 4q12.
Variant type: single nucleotide variant.
Coding change: c.243+1G>T on transcript NM_000232.5 (MANE Select); the canonical splice donor site of the intron after coding-DNA position 243, G replaced by T.
Molecular consequence: splice donor variant.
Genome position (GRCh38, 1-based): chr4:52,033,430, C>A on the plus strand (G>T on the coding strand, the complement: SGCB is on the minus strand). VCF-style: chr4-52033430-C-A. GRCh37 (hg19) VCF-style: chr4-52899596-C-A.
Identifiers: ClinVar variation 552461 (VCV000552461.5), dbSNP rs1553940663, ClinGen allele CA356877767.

ClinVar aggregate classification (germline): Pathogenic/Likely pathogenic. Review status: criteria provided, multiple submitters, no conflicts (2 of 4 stars). 3 submissions from 3 submitters: Pathogenic (1); Likely pathogenic (1). 1 of the submissions does not count toward it. Last evaluated 2026-05-04.

Conditions:
Autosomal recessive limb-girdle muscular dystrophy type 2E (LGMDR4). Also called: MUSCULAR DYSTROPHY, LIMB-GIRDLE, AUTOSOMAL RECESSIVE 4. Identifiers: Orphanet 119, MedGen C1858593, MONDO:0011423, OMIM 604286. Disease mechanism: Affects gamma-sarcoglycan and also disrupts the integrity of the entire sarcoglycan complex..

Allele frequency attached by ClinVar (database versions not stated): gnomAD exomes below 0.00001.

Submissions (3):

Myriad Genetics, Inc.
Classification: Pathogenic for Autosomal recessive limb-girdle muscular dystrophy type 2E. Last evaluated: 2026-05-04. Review status: criteria provided, single submitter. Criteria: Myriad Autosomal Dominant, Autosomal Recessive and X-Linked Classification Criteria (2023). Collection method: clinical testing. Allele origin: unknown.
Comment: NM_000232.4(SGCB):c.243+1G>T is a variant in a canonical splice site classified as pathogenic in the context of beta-sarcoglycanopathy. c.243+1G>T has not been observed in cases with relevant disease. Relevant functional assessments of this variant are not available in the literature. c.243+1G>T has not been observed in referenced population frequency databases. In summary, NM_000232.4(SGCB):c.243+1G>T is a variant in a canonical splice site in a gene where loss of function is a known mechanism of disease, is predicted to disrupt protein function, and has been observed more frequently in cases with the relevant disease than in healthy populations. Please note: this variant was assessed in the context of healthy population screening.

Revvity Omics, Revvity
Classification: Likely pathogenic for Autosomal recessive limb-girdle muscular dystrophy type 2E. Last evaluated: 2024-03-04. Review status: criteria provided, single submitter. Criteria: ACMG Guidelines, 2015. Collection method: clinical testing. Allele origin: germline.

Counsyl
Classification: Likely pathogenic for Autosomal recessive limb-girdle muscular dystrophy type 2E. Last evaluated: 2017-06-16. Review status: no assertion criteria provided. Collection method: clinical testing. Allele origin: unknown. Not counted in ClinVar's aggregate classification.